The following is an entry in ClinVar:

ClinVar aggregate classification (germline): Uncertain significance (1 of 4 stars; one submission).

Conditions:
Inborn genetic diseases. Identifiers: MedGen C0950123, MeSH D030342.

Allele frequency attached by ClinVar (database versions not stated): gnomAD exomes below 0.00001.

Submission:

Ambry Genetics
Classification: Uncertain significance for Inborn genetic diseases. Last evaluated: 2021-06-08. Review status: criteria provided, single submitter. Criteria: Ambry Variant Classification Scheme 2023. Collection method: clinical testing. Allele origin: germline.
Comment: The c.541_543delAAG (p.K181del) alteration, located in exon 5 (coding exon 5) of the NPRL2 gene, results from an in-frame deletion of 3 nucleotides between nucleotide positions c.541 and c.543. This results in the deletion of a lysine residue at codon 181. Based on data from the Genome Aggregation Database (gnomAD), the NPRL2 c.541_543delAAG alteration was not observed, with coverage at this position. This amino acid position is highly conserved in available vertebrate species. Based on insufficient or conflicting evidence, the clinical significance of this alteration remains unclear.

NM_006545.5(NPRL2):c.541_543del (p.Lys181del)

Gene: NPRL2 (NPR2 like, GATOR1 complex subunit; minus strand). Cytogenetic location: 3p21.31.
Variant type: Deletion.
Coding change: c.541_543del on transcript NM_006545.5 (MANE Select); coding-DNA positions 541 to 543, 3 bases deleted (AAG; older notation c.541_543delAAG).
Protein change: p.Lys181del; deletes lysine 181.
Molecular consequence: inframe deletion.
Genome position (GRCh38, 1-based): chr3:50,348,916-50,348,918, CTT deleted on the plus strand (AAG on the coding strand, the reverse complement: NPRL2 is on the minus strand). VCF-style (leftmost placement, unchanged base first): chr3-50348915-CCTT-C. GRCh37 (hg19) VCF-style: chr3-50386346-CCTT-C.
Other names: short protein forms K181del.
Identifiers: ClinVar variation 2217006 (VCV002217006.2), dbSNP rs1703650800, ClinGen allele CA1363910394.